The following is an entry in ClinVar:

NM_000202.8(IDS):c.1003C>T (p.His335Tyr)

Genes: IDS (iduronate 2-sulfatase; minus strand), LOC106050102 (IDS recombination region; plus strand). Cytogenetic location: Xq28.
Variant type: single nucleotide variant.
Coding change: c.1003C>T on transcript NM_000202.8 (MANE Select); coding-DNA position 1003, C replaced by T.
Protein change: p.His335Tyr; replaces histidine 335 with tyrosine.
Molecular consequence: missense variant. On other transcripts: non-coding transcript variant (1).
Genome position (GRCh38, 1-based): chrX:149,490,317, G>A on the plus strand (C>T on the coding strand, the complement: IDS is on the minus strand). VCF-style: chrX-149490317-G-A. GRCh37 (hg19) VCF-style: chrX-148571848-G-A.
Other names: c.733C>T, p.His245Tyr (NM_001166550.4); c.1003C>T, p.His335Tyr (NM_006123.5); short protein forms H335Y, H245Y.
Identifiers: ClinVar variation 221971 (VCV000221971.3), dbSNP rs869025302, ClinGen allele CA356946.

ClinVar aggregate classification (germline): Pathogenic/Likely pathogenic. Review status: criteria provided, multiple submitters, no conflicts (2 of 4 stars). 2 submissions from 2 submitters: Pathogenic (1); Likely pathogenic (1). Last evaluated 2024-06-07.

Conditions:
Mucopolysaccharidosis, MPS-II (MPS2). Also called: Hunter Syndrome; Mucopolysaccharidosis with skin involvement; Mucopolysaccharidosis type 2; IDURONATE 2-SULFATASE DEFICIENCY; Mucopolysaccharidosis Type II; IDS deficiency. Identifiers: Orphanet 580, Orphanet 79388, MedGen C0026705, MONDO:0010674, OMIM 309900.

Submissions (2):

Laboratory of Diagnosis and Therapy of Lysosomal Disorders, University of Padova
Classification: Pathogenic for Mucopolysaccharidosis, MPS-II. Last evaluated: 2024-06-07. Review status: criteria provided, single submitter. Criteria: ACMG Guidelines, 2015. Collection method: literature only. Allele origin: germline. Affected: yes. Observed: 1 variant allele.
Comment: Located in a mutational hot spot and/or critical functional domain (PM1_Moderate), Absent from controls (or at low frequency) in gnomAD database (PM2_Moderate), Missense variant in a gene with a low rate of benign missense variation (PP2_Supporting), Multiple lines of computational evidence support a deleterious effect (PP3_Supporting), Patient’s phenotype or family history highly specific for the disease (PP4_Strong)

Classification method: ACMG Guidelines [PMID:25741868] with modifications

MOLECULAR BIOLOGY LABORATORY, INSTITUTO NACIONAL DE PEDIATRIA
Classification: Likely pathogenic for Mucopolysaccharidosis, MPS-II. Last evaluated: 2015-10-18. Review status: criteria provided, single submitter. Criteria: ACMG Guidelines, 2007. Collection method: research. Allele origin: maternal. Affected: yes. Observed: 1 variant allele.
Comment: No seizures, nor hydrocephaly. Pathogenicity clues: Highly conserved nucleotide (phyloP: 0.84 [-5.2;1.1]); Highly conserved amino acid, up to Fruitfly (considering 12 species); Moderate physicochemical difference between His and Tyr (Grantham dist.: 83 [0-215]); This variant is in protein domains: Sulfatase, Type I phosphodiesterase/nucleotide pyrophosphatase/phosphate transferase, Alkaline-phosphatase-like, core domain, Align GVGD: C0 (GV: 251.03 - GD: 25.33); SIFT: Deleterious (score: 0.03, median: 3.51); MutationTaster: disease causing (p-value: 1); Polyphen prediction: Probably Damaging (HumDiv score 0.999)

Variation absent in 133 IDS normal alleles (MboI restriction) from Mexican-descent healthy controls.

Literature cited by the submitters: PubMed 26762690 (cited by Laboratory of Diagnosis and Therapy of Lysosomal Disorders, University of Padova and MOLECULAR BIOLOGY LABORATORY, INSTITUTO NACIONAL DE PEDIATRIA).